The following is an entry in ClinVar:

NM_002381.5(MATN3):c.733G>T (p.Val245Leu)

Gene: MATN3 (matrilin 3; minus strand). Cytogenetic location: 2p24.1.
Variant type: single nucleotide variant.
Coding change: c.733G>T on transcript NM_002381.5 (MANE Select); coding-DNA position 733, G replaced by T.
Protein change: p.Val245Leu; replaces valine 245 with leucine.
Molecular consequence: missense variant.
Genome position (GRCh38, 1-based): chr2:20,005,801, C>A on the plus strand (G>T on the coding strand, the complement: MATN3 is on the minus strand). VCF-style: chr2-20005801-C-A. GRCh37 (hg19) VCF-style: chr2-20205562-C-A.
Other names: short protein forms V245L.
Identifiers: ClinVar variation 1303748 (VCV001303748.2), dbSNP rs182164052, ClinGen allele CA345950476.
Genomic context (GRCh38, chr2:20,005,801, plus strand): 5'-TACCACAGAAGGTTTCCTGGAATCTAGAGGAAAGTTTCTCAATGACCCCATAGGTCTCCA[C>A]GTAGAAAACATGCTCCTCTAGGGGCTCACTGGCCATCATCTTGAGGGACGCCATGTCTGC-3'
Protein context (NP_002372.1, residues 235-255): SEPLEEHVFY[Val245Leu]ETYGVIEKLS

ClinVar aggregate classification (germline): Uncertain significance (1 of 4 stars; one submission).

Submission:

GeneDx
Classification: Uncertain significance. Last evaluated: 2019-10-14. Review status: criteria provided, single submitter. Criteria: GeneDx Variant Classification Process June 2021. Collection method: clinical testing. Allele origin: germline. Affected: yes.
Comment: Not observed in large population cohorts (Lek et al., 2016); In silico analysis, which includes protein predictors and evolutionary conservation, supports a deleterious effect; Has not been previously published as pathogenic or benign to our knowledge